The following is an entry in ClinVar:

NM_018133.4(MSL2):c.469C>A (p.His157Asn)

Gene: MSL2 (MSL complex subunit 2; minus strand). Cytogenetic location: 3q22.3.
Variant type: single nucleotide variant.
Coding change: c.469C>A on transcript NM_018133.4 (MANE Select); coding-DNA position 469, C replaced by A.
Protein change: p.His157Asn; replaces histidine 157 with asparagine.
Molecular consequence: missense variant.
Genome position (GRCh38, 1-based): chr3:136,152,412, G>T on the plus strand (C>A on the coding strand, the complement: MSL2 is on the minus strand). VCF-style: chr3-136152412-G-T. GRCh37 (hg19) VCF-style: chr3-135871254-G-T.
Other names: c.247C>A, p.His83Asn (NM_001145417.2); short protein forms H157N, H83N.
Identifiers: ClinVar variation 3781213 (VCV003781213.1).

ClinVar aggregate classification (germline): Uncertain significance (1 of 4 stars; one submission).

Submission:

GeneDx
Classification: Uncertain significance. Last evaluated: 2024-10-20. Review status: criteria provided, single submitter. Criteria: GeneDx Variant Classification Process June 2021. Collection method: clinical testing. Allele origin: germline. Affected: yes.
Comment: Not observed at significant frequency in large population cohorts (gnomAD); In silico analysis indicates that this missense variant does not alter protein structure/function; Has not been previously published as pathogenic or benign to our knowledge